The following is an entry in ClinVar:

ClinVar aggregate classification (germline): Uncertain significance (1 of 4 stars; one submission).

Submission:

GeneDx
Classification: Uncertain significance. Last evaluated: 2025-03-18. Review status: criteria provided, single submitter. Criteria: GeneDx Variant Classification Process June 2021. Collection method: clinical testing. Allele origin: germline. Affected: yes.
Comment: Has not been previously published as pathogenic or benign to our knowledge; Not observed at significant frequency in large population cohorts (gnomAD); In silico analysis indicates that this missense variant does not alter protein structure/function; In silico analysis suggests this variant may impact gene splicing. In the absence of RNA/functional studies, the actual effect of this sequence change is unknown.

NM_004444.5(EPHB4):c.115G>A (p.Asp39Asn)

Gene: EPHB4 (EPH receptor B4; minus strand). Cytogenetic location: 7q22.1.
Variant type: single nucleotide variant.
Coding change: c.115G>A on transcript NM_004444.5 (MANE Select); coding-DNA position 115, G replaced by A.
Protein change: p.Asp39Asn; replaces aspartic acid 39 with asparagine.
Molecular consequence: missense variant.
Genome position (GRCh38, 1-based): chr7:100,824,211, C>T on the plus strand (G>A on the coding strand, the complement: EPHB4 is on the minus strand). VCF-style: chr7-100824211-C-T. GRCh37 (hg19) VCF-style: chr7-100421833-C-T.
Other names: short protein forms D39N.
Identifiers: ClinVar variation 4086768 (VCV004086768.1).